The following is an entry in ClinVar:

ClinVar aggregate classification (germline): Likely benign. Review status: criteria provided, multiple submitters, no conflicts (2 of 4 stars). 4 submissions from 4 submitters: Likely benign (3). 1 of the submissions does not count toward it. Last evaluated 2025-11-01.

Conditions:
LAMA5-related disorder. Also called: LAMA5-related condition; LAMA5-Related Disorders.

Allele frequency attached by ClinVar (database versions not stated): ESP Exome Variant Server 0.00048; gnomAD 0.00072 and 0.00078; TOPMed 0.00074; ExAC 0.00090.
gnomAD v4.1: 1,843 of 1,548,818 alleles (0.12%); highest among the groups gnomAD compares: Non-Finnish European, 0.15%; 2 homozygotes.

Submissions (4):

CeGaT Center for Human Genetics Tuebingen
Classification: Likely benign. Last evaluated: 2025-11-01. Review status: criteria provided, single submitter. Criteria: CeGaT Center For Human Genetics Tuebingen Variant Classification Criteria Version 2. Collection method: clinical testing. Allele origin: germline. Affected: yes. Observed: 2 variant alleles.
Comment: LAMA5: BP4, BP7

Mayo Clinic Laboratories, Mayo Clinic
Classification: Likely benign. Last evaluated: 2025-08-12. Review status: criteria provided, single submitter. Criteria: ACMG Guidelines, 2015. Collection method: clinical testing. Allele origin: germline. Observed: 2 variant alleles.
Comment: BP4, BP7

Labcorp Genetics (formerly Invitae), Labcorp
Classification: Likely benign. Last evaluated: 2025-08-07. Review status: criteria provided, single submitter. Criteria: Invitae Variant Classification Sherloc (09022015). Collection method: clinical testing. Allele origin: germline.

PreventionGenetics, part of Exact Sciences
Classification: Likely benign for LAMA5-related condition. Last evaluated: 2019-09-19. Review status: no assertion criteria provided. Collection method: clinical testing. Allele origin: germline. Not counted in ClinVar's aggregate classification.
Comment: This variant is classified as likely benign based on ACMG/AMP sequence variant interpretation guidelines (Richards et al. 2015 PMID: 25741868, with internal and published modifications).

NM_005560.6(LAMA5):c.6798C>T (p.Ala2266=)

Gene: LAMA5 (laminin subunit alpha 5; minus strand). Cytogenetic location: 20q13.33.
Variant type: single nucleotide variant.
Coding change: c.6798C>T on transcript NM_005560.6 (MANE Select); coding-DNA position 6798, C replaced by T.
Protein change: p.Ala2266=; no amino-acid change (alanine 2266 retained).
Molecular consequence: synonymous variant.
Genome position (GRCh38, 1-based): chr20:62,319,757, G>A on the plus strand (C>T on the coding strand, the complement: LAMA5 is on the minus strand). VCF-style: chr20-62319757-G-A. GRCh37 (hg19) VCF-style: chr20-60894813-G-A.
Other names: p.Ala2266=.
Identifiers: ClinVar variation 732744 (VCV000732744.33), dbSNP rs140336045, ClinGen allele CA9941550.